The following is an entry in ClinVar:

ClinVar aggregate classification (germline): Conflicting classifications of pathogenicity. Review status: criteria provided, conflicting classifications (1 of 4 stars). 2 submissions from 2 submitters: Uncertain significance (1); Likely benign (1). Last evaluated 2025-11-25.

Allele frequency attached by ClinVar (database versions not stated): gnomAD exomes 0.00011 and 0.00023; ExAC 0.00031; 1000 Genomes Project 0.00060; ESP Exome Variant Server 0.00085; gnomAD 0.00101 and 0.00109; 1000 Genomes Project 30x 0.00125.
gnomAD v4.1: 311 of 1,613,940 alleles (0.019%); highest among the groups gnomAD compares: African/African-American, 0.34%; no homozygotes.

Submissions (2):

Labcorp Genetics (formerly Invitae), Labcorp
Classification: Likely benign. Last evaluated: 2025-11-25. Review status: criteria provided, single submitter. Criteria: Invitae Variant Classification Sherloc (09022015). Collection method: clinical testing. Allele origin: germline.

GeneDx
Classification: Uncertain significance. Last evaluated: 2021-04-21. Review status: criteria provided, single submitter. Criteria: GeneDx Variant Classification Process June 2021. Collection method: clinical testing. Allele origin: germline. Affected: yes.
Comment: In-silico analysis, which includes splice predictors and evolutionary conservation, is inconclusive as to whether the variant alters gene splicing. In the absence of RNA/functional studies, the actual effect of this sequence change is unknown.; Identified in a patient in published literature, but specific details were not provided (Hureaux et al., 2019); This variant is associated with the following publications: (PMID: 31672324)

NM_004069.6(AP2S1):c.153+6G>A

Gene: AP2S1 (adaptor related protein complex 2 subunit sigma 1; minus strand). Cytogenetic location: 19q13.32.
Variant type: single nucleotide variant.
Coding change: c.153+6G>A on transcript NM_004069.6 (MANE Select); 6 bases into the intron after coding-DNA position 153, G replaced by A.
Molecular consequence: intron variant.
Genome position (GRCh38, 1-based): chr19:46,845,987, C>T on the plus strand (G>A on the coding strand, the complement: AP2S1 is on the minus strand). VCF-style: chr19-46845987-C-T. GRCh37 (hg19) VCF-style: chr19-47349244-C-T.
Other names: c.153+6G>A (NM_021575.5, NM_001301078.3); c.159+6G>A (NM_001301081.3); c.201+6G>A (NM_001301076.3).
Identifiers: ClinVar variation 1149414 (VCV001149414.11), dbSNP rs201686470, ClinGen allele CA9532995.
Genomic context (GRCh38, chr19:46,845,987, plus strand): 5'-GGCAGGGAGTGGCGAAGTAGGGCACGAGGAAGCAGCGGGGTGCAGGAGGCATGGAGCGGG[C>T]GTCACCTCCACAAAGTTGGTGTGTTTGGCGTCTCGGACGGTGACCACGGCATGCACCTCC-3'